The following is an entry in ClinVar:

ClinVar aggregate classification (germline): Uncertain significance (1 of 4 stars; one submission).

Allele frequency attached by ClinVar (database versions not stated): gnomAD exomes below 0.00001; TOPMed below 0.00001; ExAC 0.00001.
gnomAD v4.1: 3 of 1,610,892 alleles (0.00019%); highest among the groups gnomAD compares: African/African-American, 0.0013%; no homozygotes.

Submission:

Labcorp Genetics (formerly Invitae), Labcorp
Classification: Uncertain significance. Last evaluated: 2021-11-18. Review status: criteria provided, single submitter. Criteria: Invitae Variant Classification Sherloc (09022015). Collection method: clinical testing. Allele origin: germline.
Comment: In summary, the available evidence is currently insufficient to determine the role of this variant in disease. Therefore, it has been classified as a Variant of Uncertain Significance. Algorithms developed to predict the effect of missense changes on protein structure and function (SIFT, PolyPhen-2, Align-GVGD) all suggest that this variant is likely to be disruptive. This variant has not been reported in the literature in individuals affected with AHR-related conditions. This variant is present in population databases (rs745696562, gnomAD 0.005%). This sequence change replaces glutamic acid, which is acidic and polar, with lysine, which is basic and polar, at codon 165 of the AHR protein (p.Glu165Lys).

NM_001621.5(AHR):c.493G>A (p.Glu165Lys)

Gene: AHR (aryl hydrocarbon receptor; plus strand). Cytogenetic location: 7p21.1.
Variant type: single nucleotide variant.
Coding change: c.493G>A on transcript NM_001621.5 (MANE Select); coding-DNA position 493, G replaced by A.
Protein change: p.Glu165Lys; replaces glutamic acid 165 with lysine.
Molecular consequence: missense variant.
Genome position (GRCh38, 1-based): chr7:17,329,994, G>A. VCF-style: chr7-17329994-G-A. GRCh37 (hg19) VCF-style: chr7-17369618-G-A.
Other names: short protein forms E165K.
Identifiers: ClinVar variation 1451013 (VCV001451013.4), dbSNP rs745696562, ClinGen allele CA4171855.